The following is an entry in ClinVar:

NM_004370.6(COL12A1):c.5583T>A (p.Asn1861Lys)

Gene: COL12A1 (collagen type XII alpha 1 chain; minus strand). Cytogenetic location: 6q13.
Variant type: single nucleotide variant.
Coding change: c.5583T>A on transcript NM_004370.6 (MANE Select); coding-DNA position 5583, T replaced by A.
Protein change: p.Asn1861Lys; replaces asparagine 1861 with lysine.
Molecular consequence: missense variant.
Genome position (GRCh38, 1-based): chr6:75,133,939, A>T on the plus strand (T>A on the coding strand, the complement: COL12A1 is on the minus strand). VCF-style: chr6-75133939-A-T. GRCh37 (hg19) VCF-style: chr6-75843655-A-T.
Other names: c.5310T>A, p.Asn1770Lys (NM_001424115.1); c.2091T>A, p.Asn697Lys (NM_001424116.1, NM_080645.3); c.5583T>A, p.Asn1861Lys (NM_001424113.1); c.5562T>A, p.Asn1854Lys (NM_001424114.1); short protein forms N1861K, N697K, N1854K, N1770K.
Identifiers: ClinVar variation 2946643 (VCV002946643.3), dbSNP rs1766442661, ClinGen allele CA364735185.

ClinVar aggregate classification (germline): Uncertain significance (1 of 4 stars; one submission).

Conditions:
Ullrich congenital muscular dystrophy 2 (UCMD2). Identifiers: Orphanet 75840, MedGen C4225314, MONDO:0014654, OMIM 616470.
Bethlem myopathy 2 (BTHLM2). Identifiers: Orphanet 536516, Orphanet 610, MedGen C4225313, MONDO:0034022, OMIM 616471.

Submission:

Labcorp Genetics (formerly Invitae), Labcorp
Classification: Uncertain significance for Bethlem myopathy 2; Ullrich congenital muscular dystrophy 2. Last evaluated: 2023-11-10. Review status: criteria provided, single submitter. Criteria: Invitae Variant Classification Sherloc (09022015). Collection method: clinical testing. Allele origin: germline.
Comment: This sequence change replaces asparagine, which is neutral and polar, with lysine, which is basic and polar, at codon 1861 of the COL12A1 protein (p.Asn1861Lys). This variant is not present in population databases (gnomAD no frequency). This variant has not been reported in the literature in individuals affected with COL12A1-related conditions. Advanced modeling of protein sequence and biophysical properties (such as structural, functional, and spatial information, amino acid conservation, physicochemical variation, residue mobility, and thermodynamic stability) performed at Invitae indicates that this missense variant is not expected to disrupt COL12A1 protein function with a negative predictive value of 80%. In summary, the available evidence is currently insufficient to determine the role of this variant in disease. Therefore, it has been classified as a Variant of Uncertain Significance.